The following is an entry in ClinVar:

ClinVar aggregate classification (germline): Uncertain significance (1 of 4 stars; one submission).

Conditions:
DICER1-related tumor predisposition. Also called: DICER1-related pleuropulmonary blastoma cancer predisposition syndrome; DICER1 syndrome. Identifiers: Orphanet 284343, MedGen C3839822, MONDO:0100216.

Submission:

Labcorp Genetics (formerly Invitae), Labcorp
Classification: Uncertain significance for DICER1-related tumor predisposition. Last evaluated: 2021-06-14. Review status: criteria provided, single submitter. Criteria: Invitae Variant Classification Sherloc (09022015). Collection method: clinical testing. Allele origin: germline.
Comment: This variant has not been reported in the literature in individuals with DICER1-related conditions. This sequence change replaces valine with glutamic acid at codon 1590 of the DICER1 protein (p.Val1590Glu). The valine residue is highly conserved and there is a moderate physicochemical difference between valine and glutamic acid. This variant is not present in population databases (ExAC no frequency). Algorithms developed to predict the effect of missense changes on protein structure and function (SIFT, PolyPhen-2, Align-GVGD) all suggest that this variant is likely to be disruptive, but these predictions have not been confirmed by published functional studies and their clinical significance is uncertain. In summary, the available evidence is currently insufficient to determine the role of this variant in disease. Therefore, it has been classified as a Variant of Uncertain Significance.

NM_177438.3(DICER1):c.4769T>A (p.Val1590Glu)

Gene: DICER1 (dicer 1, ribonuclease III; minus strand). Cytogenetic location: 14q32.13.
Variant type: single nucleotide variant.
Coding change: c.4769T>A on transcript NM_177438.3 (MANE Select); coding-DNA position 4769, T replaced by A.
Protein change: p.Val1590Glu; replaces valine 1590 with glutamic acid.
Molecular consequence: missense variant.
Genome position (GRCh38, 1-based): chr14:95,096,151, A>T on the plus strand (T>A on the coding strand, the complement: DICER1 is on the minus strand). VCF-style: chr14-95096151-A-T. GRCh37 (hg19) VCF-style: chr14-95562488-A-T.
Other names: c.4769T>A, p.Val1590Glu (NM_001195573.1, NM_001271282.3, NM_001291628.2 and 1 more transcripts); short protein forms V1590E.
Identifiers: ClinVar variation 1469790 (VCV001469790.9), dbSNP rs2139843832, ClinGen allele CA390867240.
Genomic context (GRCh38, chr14:95,096,151, plus strand): 5'-AAATTCTCCCGAGTAGGGCACAGGGCCTTTTCCCGATCAGTCCTTTTAATTACCGGGAGC[A>T]CCTTCAGCCCCAGTGAACAGAGGAAAAGCTGAGCAGCCCTCTCCCCACAGCTGGTTAAAT-3'
Protein context (NP_803187.1, residues 1580-1600): QLFLCSLGLK[Val1590Glu]LPVIKRTDRE